The following is an entry in ClinVar:

ClinVar aggregate classification (germline): Uncertain significance (1 of 4 stars; one submission).

Conditions:
Inborn genetic diseases. Identifiers: MedGen C0950123, MeSH D030342.

Submission:

Ambry Genetics
Classification: Uncertain significance for Inborn genetic diseases. Last evaluated: 2025-12-02. Review status: criteria provided, single submitter. Criteria: Ambry Variant Classification Scheme 2023. Collection method: clinical testing. Allele origin: germline.
Comment: The p.V972I variant (also known as c.2914G>A), located in coding exon 1 of the SAMD9 gene, results from a G to A substitution at nucleotide position 2914. The valine at codon 972 is replaced by isoleucine, an amino acid with highly similar properties. This amino acid position is conserved. In addition, this alteration is predicted to be tolerated by in silico analysis. Based on the available evidence, the clinical significance of this variant remains unclear.

NM_017654.4(SAMD9):c.2914G>A (p.Val972Ile)

Gene: SAMD9 (sterile alpha motif domain containing 9; minus strand). Cytogenetic location: 7q21.2.
Variant type: single nucleotide variant.
Coding change: c.2914G>A on transcript NM_017654.4 (MANE Select); coding-DNA position 2914, G replaced by A.
Protein change: p.Val972Ile; replaces valine 972 with isoleucine.
Molecular consequence: missense variant.
Genome position (GRCh38, 1-based): chr7:93,103,184, C>T on the plus strand (G>A on the coding strand, the complement: SAMD9 is on the minus strand). VCF-style: chr7-93103184-C-T. GRCh37 (hg19) VCF-style: chr7-92732497-C-T.
Other names: c.2914G>A, p.Val972Ile (NM_001193307.2); short protein forms V972I.
Identifiers: ClinVar variation 4629976 (VCV004629976.1).
Genomic context (GRCh38, chr7:93,103,184, plus strand): 5'-AGAACTCTGCAATCAAAGAGTGAATGATGCGTACTCCACAGTAGTTCCCACATTCGATGA[C>T]CTCTGTTTTTATCAGAATTGTAGAGTAGGTGCCCATCTTGTCTTCAAATTTTTCTGTCCC-3'
Protein context (NP_060124.2, residues 962-982): TYSTILIKTE[Val972Ile]IECGNYCGVR